The following is an entry in ClinVar:

NM_000137.4(FAH):c.921A>G (p.Gly307=)

Gene: FAH (fumarylacetoacetate hydrolase; plus strand). Cytogenetic location: 15q25.1.
Variant type: single nucleotide variant.
Coding change: c.921A>G on transcript NM_000137.4 (MANE Select); coding-DNA position 921, A replaced by G.
Protein change: p.Gly307=; no amino-acid change (glycine 307 retained).
Molecular consequence: synonymous variant.
Genome position (GRCh38, 1-based): chr15:80,177,544, A>G. VCF-style: chr15-80177544-A-G. GRCh37 (hg19) VCF-style: chr15-80469886-A-G.
Other names: p.Gly307=; c.921A>G, p.Gly307= (NM_001374377.1, NM_001374380.1); c.921A>G (NM_000137.3).
Identifiers: ClinVar variation 281004 (VCV000281004.21), dbSNP rs76338717, ClinGen allele CA7691402.

ClinVar aggregate classification (germline): Benign. Review status: criteria provided, multiple submitters, no conflicts (2 of 4 stars). 6 submissions from 6 submitters: Benign (6). Last evaluated 2026-02-02.

Conditions:
Tyrosinemia type I (TYRSN1). Also called: FAH DEFICIENCY; HEPATORENAL TYROSINEMIA; Tyrosinemia type 1; Fumarylacetoacetase deficiency; Deficiency of fumarylacetoacetase. Identifiers: Orphanet 882, MedGen C0268490, MONDO:0010161, OMIM 276700. Disease mechanism: loss of function.

Allele frequency attached by ClinVar (database versions not stated): gnomAD 0.00135 and 0.00196; TOPMed 0.00228; ExAC 0.00409; gnomAD exomes 0.00411; 1000 Genomes Project 30x 0.00968; 1000 Genomes Project 0.01058.
gnomAD v4.1: 2,567 of 1,613,976 alleles (0.16%); highest among the groups gnomAD compares: East Asian, 5.1%; 73 homozygotes.

Submissions (6):

Labcorp Genetics (formerly Invitae), Labcorp
Classification: Benign for Tyrosinemia type I. Last evaluated: 2026-02-02. Review status: criteria provided, single submitter. Criteria: Invitae Variant Classification Sherloc (09022015). Collection method: clinical testing. Allele origin: germline.

Mayo Clinic Laboratories, Mayo Clinic
Classification: Benign. Last evaluated: 2024-02-10. Review status: criteria provided, single submitter. Criteria: ACMG Guidelines, 2015. Collection method: clinical testing. Allele origin: germline. Observed: 3 variant alleles.

Illumina Laboratory Services, Illumina
Classification: Benign for Tyrosinemia type I. Last evaluated: 2018-01-13. Review status: criteria provided, single submitter. Criteria: ICSL Variant Classification Criteria 13 December 2019. Collection method: clinical testing. Allele origin: germline.
Comment: This variant was observed in the ICSL laboratory as part of a predisposition screen in an ostensibly healthy population. It had not been previously curated by ICSL or reported in the Human Gene Mutation Database (HGMD: prior to June 1st, 2018), and was therefore a candidate for classification through an automated scoring system. Utilizing variant allele frequency, disease prevalence and penetrance estimates, and inheritance mode, an automated score was calculated to assess if this variant is too frequent to cause the disease. Based on the score and internal cut-off values, a variant classified as benign is not then subjected to further curation. The score for this variant resulted in a classification of benign for this disease.

GeneDx
Classification: Benign. Last evaluated: 2016-03-24. Review status: criteria provided, single submitter. Criteria: GeneDx Variant Classification (06012015). Collection method: clinical testing. Allele origin: germline. Affected: yes.
Comment: This variant is considered likely benign or benign based on one or more of the following criteria: it is a conservative change, it occurs at a poorly conserved position in the protein, it is predicted to be benign by multiple in silico algorithms, and/or has population frequency not consistent with disease.

Eurofins Ntd Llc (ga)
Classification: Benign. Last evaluated: 2015-08-28. Review status: criteria provided, single submitter. Criteria: EGL Classification Definitions 2015. Collection method: clinical testing. Allele origin: germline. Observed: 2 variant alleles, 2 heterozygotes.

Breakthrough Genomics
Classification: Benign. Review status: criteria provided, single submitter. Criteria: ACMG Guidelines, 2015. Collection method: not provided. Allele origin: germline. Inheritance: Autosomal recessive inheritance. Affected: yes.